The following is an entry in ClinVar:

ClinVar aggregate classification (germline): Uncertain significance (1 of 4 stars; one submission).

Conditions:
Emery-Dreifuss muscular dystrophy (EDMD). Also called: Scapuloperoneal syndrome, X-linked (formerly); Humeroperoneal neuromuscular disease, (formerly). Identifiers: Orphanet 261, MedGen C0410189, MONDO:0016830.

Allele frequency attached by ClinVar (database versions not stated): gnomAD 0.00001; TOPMed 0.00002; ExAC 0.00003.

Submission:

Labcorp Genetics (formerly Invitae), Labcorp
Classification: Uncertain significance for Emery-Dreifuss muscular dystrophy. Last evaluated: 2025-05-31. Review status: criteria provided, single submitter. Criteria: Invitae Variant Classification Sherloc (09022015). Collection method: clinical testing. Allele origin: germline.
Comment: This sequence change replaces arginine, which is basic and polar, with histidine, which is basic and polar, at codon 7 of the SUN2 protein (p.Arg7His). This variant is present in population databases (rs760233760, gnomAD 0.003%). This variant has not been reported in the literature in individuals affected with SUN2-related conditions. ClinVar contains an entry for this variant (Variation ID: 1938086). An algorithm developed to predict the effect of missense changes on protein structure and function (PolyPhen-2) suggests that this variant is likely to be disruptive. In summary, the available evidence is currently insufficient to determine the role of this variant in disease. Therefore, it has been classified as a Variant of Uncertain Significance.

NM_015374.3(SUN2):c.20G>A (p.Arg7His)

Gene: SUN2 (Sad1 and UNC84 domain containing 2; minus strand). Cytogenetic location: 22q13.1.
Variant type: single nucleotide variant.
Coding change: c.20G>A on transcript NM_015374.3 (MANE Select); coding-DNA position 20, G replaced by A.
Protein change: p.Arg7His; replaces arginine 7 with histidine.
Molecular consequence: missense variant.
Genome position (GRCh38, 1-based): chr22:38,752,609, C>T on the plus strand (G>A on the coding strand, the complement: SUN2 is on the minus strand). VCF-style: chr22-38752609-C-T. GRCh37 (hg19) VCF-style: chr22-39148614-C-T.
Other names: c.20G>A, p.Arg7His (NM_001394434.1, NM_001394435.1, NM_001394436.1 and 18 more transcripts); short protein forms R7H.
Identifiers: ClinVar variation 1938086 (VCV001938086.5), dbSNP rs760233760, ClinGen allele CA10236135.
Genomic context (GRCh38, chr22:38,752,609, plus strand): 5'-ACCGAGCTCCCTCCGCTGCTGCTGCTGCCGTCATCGTCACCCTGGGAGTAGCGCGTGAGG[C>T]GCTGGCTTCTTCGGGACATGATGAGGTGGGATGTGGACTCTTCCCCTGAAGAGAATCTAA-3'
Protein context (NP_056189.1, residues 1-17): MSRRSQ[Arg7His]LTRYSQGDDD